The following is an entry in ClinVar:

ClinVar aggregate classification (germline): Pathogenic (1 of 4 stars; one submission).

Conditions:
Congenital disorder of deglycosylation (CDDG). Identifiers: MedGen C3808991, MONDO:0031376.

Submission:

Labcorp Genetics (formerly Invitae), Labcorp
Classification: Pathogenic for Congenital disorder of deglycosylation. Last evaluated: 2025-03-12. Review status: criteria provided, single submitter. Criteria: Invitae Variant Classification Sherloc (09022015). Collection method: clinical testing. Allele origin: germline.
Comment: This sequence change creates a premature translational stop signal (p.Gly83*) in the NGLY1 gene. It is expected to result in an absent or disrupted protein product. Loss-of-function variants in NGLY1 are known to be pathogenic (PMID: 24651605). This variant is not present in population databases (gnomAD no frequency). This variant has not been reported in the literature in individuals affected with NGLY1-related conditions. For these reasons, this variant has been classified as Pathogenic.

Literature cited by the submitters: PubMed 24651605.

NM_018297.4(NGLY1):c.247G>T (p.Gly83Ter)

Gene: NGLY1 (N-glycanase 1; minus strand). Cytogenetic location: 3p24.2.
Variant type: single nucleotide variant.
Coding change: c.247G>T on transcript NM_018297.4 (MANE Select); coding-DNA position 247, G replaced by T.
Protein change: p.Gly83Ter; replaces glycine 83 with a stop codon.
Molecular consequence: nonsense.
Genome position (GRCh38, 1-based): chr3:25,764,311, C>A on the plus strand (G>T on the coding strand, the complement: NGLY1 is on the minus strand). VCF-style: chr3-25764311-C-A. GRCh37 (hg19) VCF-style: chr3-25805802-C-A.
Other names: c.247G>T, p.Gly83Ter (NM_001145293.2, NM_001145295.2); c.121G>T, p.Gly41Ter (NM_001145294.2); short protein forms G41*, G83*.
Identifiers: ClinVar variation 4714682 (VCV004714682.1).